The following is an entry in ClinVar:

NM_024675.4(PALB2):c.1162C>A (p.Pro388Thr)

Gene: PALB2 (partner and localizer of BRCA2; minus strand). Cytogenetic location: 16p12.2.
Variant type: single nucleotide variant.
Coding change: c.1162C>A on transcript NM_024675.4 (MANE Select); coding-DNA position 1162, C replaced by A.
Protein change: p.Pro388Thr; replaces proline 388 with threonine.
Molecular consequence: missense variant. On other transcripts: intron variant (3).
Genome position (GRCh38, 1-based): chr16:23,635,384, G>T on the plus strand (C>A on the coding strand, the complement: PALB2 is on the minus strand). VCF-style: chr16-23635384-G-T. GRCh37 (hg19) VCF-style: chr16-23646705-G-T.
Other names: c.1162C>A, p.Pro388Thr (NM_001407302.1, NM_001407297.1, NM_001407298.1 and 3 more transcripts); c.277C>A, p.Pro93Thr (NM_001407304.1, NM_001407305.1, NM_001407306.1 and 5 more transcripts); c.48+5726C>A (NM_001407314.1); c.-104-4915C>A (NM_001407313.1, NM_001407312.1); c.1102C>A, p.Pro368Thr (NM_001407296.1); short protein forms P388T, P93T, P368T.
Identifiers: ClinVar variation 4663630 (VCV004663630.1).

ClinVar aggregate classification (germline): Uncertain significance (1 of 4 stars; one submission).

Conditions:
Hereditary cancer-predisposing syndrome. Also called: Neoplastic Syndromes, Hereditary; Tumor predisposition; Hereditary Cancer Syndrome; Hereditary neoplastic syndrome. Identifiers: Orphanet 140162, MedGen C0027672, MeSH D009386, MONDO:0015356.

gnomAD v4.1: 1 of 1,613,916 alleles (0.000062%); highest among the groups gnomAD compares: Non-Finnish European, 0.000085%; no homozygotes.

Submission:

Ambry Genetics
Classification: Uncertain significance for Hereditary cancer-predisposing syndrome. Last evaluated: 2025-09-25. Review status: criteria provided, single submitter. Criteria: Ambry Variant Classification Scheme 2023. Collection method: clinical testing. Allele origin: germline.
Comment: The p.P388T variant (also known as c.1162C>A), located in coding exon 4 of the PALB2 gene, results from a C to A substitution at nucleotide position 1162. The proline at codon 388 is replaced by threonine, an amino acid with highly similar properties. This amino acid position is conserved. In addition, this alteration is predicted to be tolerated by in silico analysis. Based on the available evidence, the clinical significance of this variant remains unclear.